The following is an entry in ClinVar:

ClinVar aggregate classification (germline): not provided (0 of 4 stars; one submission).

Allele frequency attached by ClinVar (database versions not stated): ExAC 0.00001; gnomAD exomes 0.00001; gnomAD 0.00002 and 0.00004; TOPMed 0.00003; ESP Exome Variant Server 0.00008; 1000 Genomes Project 30x 0.00016; 1000 Genomes Project 0.00020.
gnomAD v4.1: 25 of 1,610,512 alleles (0.0016%); highest among the groups gnomAD compares: African/African-American, 0.029%; no homozygotes.

Submission:

Human Evolutionary Genetics, Institut Pasteur
No classification provided. Review status: no classification provided. Collection method: not provided. Allele origin: germline.
ClinVar note: Converted during submission from untested to not provided.

NM_176822.4(NLRP14):c.3049A>T (p.Ile1017Leu)

Gene: NLRP14 (NLR family pyrin domain containing 14; plus strand). Cytogenetic location: 11p15.4.
Variant type: single nucleotide variant.
Coding change: c.3049A>T on transcript NM_176822.4 (MANE Select); coding-DNA position 3049, A replaced by T.
Protein change: p.Ile1017Leu; replaces isoleucine 1017 with leucine.
Molecular consequence: missense variant.
Genome position (GRCh38, 1-based): chr11:7,070,359, A>T. VCF-style: chr11-7070359-A-T. GRCh37 (hg19) VCF-style: chr11-7091590-A-T.
Other names: short protein forms I1017L.
Identifiers: ClinVar variation 103350 (VCV000103350.2), dbSNP rs199475889, ClinGen allele CA230455.